The following continues an entry in ClinVar:

NM_000051.4(ATM):c.7517_7520del

ClinVar aggregate classification (germline): Pathogenic. Pathogenic (19).

Submissions 14 to 20 of 20:

GeneDx
Classification: Pathogenic. Last evaluated: 2022-04-06. Review status: criteria provided, single submitter. Criteria: GeneDx Variant Classification Process June 2021. Collection method: clinical testing. Allele origin: germline. Affected: yes.
Comment: Frameshift variant predicted to result in protein truncation or nonsense mediated decay in a gene for which loss-of-function is a known mechanism of disease; Not observed at a significant frequency in large population cohorts (gnomAD); This variant is associated with the following publications: (PMID: 16941484, 12815592, 17910737, 8845835, 19691550, 21965147, 28152038, 9872980, 17124347, 15039971, 29665859, 31447099, 32853339)

Quest Diagnostics Nichols Institute San Juan Capistrano
Classification: Pathogenic. Last evaluated: 2021-06-25. Review status: criteria provided, single submitter. Criteria: Quest Diagnostics criteria. Collection method: clinical testing. Allele origin: unknown.
Comment: This frameshift variant causes the premature termination of ATM protein synthesis. It has been reported in individuals affected with ataxia-telangiectasia or breast cancer in the published literature (PMIDs: 27779110 (2017), 21965147 (2011), 19691550 (2009), 17124347 (2006), 12815592 (2003), and 8845835 (1996)). Based on the available information, this variant is classified as pathogenic.

Institute of Medical Genetics and Applied Genomics, University Hospital Tübingen
Classification: Pathogenic. Last evaluated: 2021-06-17. Review status: criteria provided, single submitter. Criteria: ACMG Guidelines, 2015. Collection method: clinical testing. Allele origin: germline. Inheritance: Autosomal dominant inheritance. Affected: yes.

Center of Genomic medicine, Geneva, University Hospital of Geneva
Classification: Pathogenic for Ataxia-telangiectasia syndrome. Last evaluated: 2016-09-12. Review status: criteria provided, single submitter. Criteria: ACMG Guidelines, 2015. Collection method: clinical testing. Allele origin: paternal. Affected: yes.

Women's Health and Genetics/Laboratory Corporation of America, LabCorp
Classification: Pathogenic for Ataxia-telangiectasia syndrome. Last evaluated: 2016-02-15. Review status: criteria provided, single submitter. Criteria: LabCorp Variant Classification Summary - May 2015. Collection method: clinical testing. Allele origin: germline.
Comment: Variant summary: Variant results in a frameshift mutation altering the 3050 amino acid long ATM beginning at position 2506 and leading to a premature termination codon 3 amino acids downstream. This alteration is then predicted to lead to a truncated or absent protein. Mutation taster predicts the variant to be disease causing. It is absent from the large and broad cohorts of the ExAC project but while it was reported in several ATM patients in either compound heterozygosity or homozygosity indicating pathogenicity. The reported patients are predominantly of Italian origin and the variant is considered to be one of the most common Italian AT mutation (Cavalieri_Hum Mutat_2006, Chessa_Human_Genetics_2009). Furthermore, a clinical laboratory classifies variant as "Pathogenic" via ClinVar (without evidence to independently evaluate). Truncating mutations are known mechanisms of AT and truncations downstream of this position have been classified as pathogenic by our laboratory (e.g. c.8264_8268delATAAG/p.Tyr2755fs), and considering the additional supporting information, the variant shows strong indications for pathogenicity, and therefore, it is classified as pathogenic.

Genesis Genomics
Classification: Pathogenic for Familial cancer of breast. Review status: criteria provided, single submitter. Criteria: ACMG Guidelines, 2015. Collection method: clinical testing. Allele origin: germline. Affected: yes. Observed: 1 variant allele.

Counsyl
Classification: Pathogenic for Ataxia-telangiectasia syndrome. Last evaluated: 2015-12-23. Review status: no assertion criteria provided. Collection method: clinical testing. Allele origin: unknown. Not counted in ClinVar's aggregate classification.

Literature cited by the submitters: PubMed 23807571 (cited by Labcorp Genetics (formerly Invitae), Labcorp); PubMed 25614872 (cited by Labcorp Genetics (formerly Invitae), Labcorp); PubMed 8845835 (cited by 7 submitters); PubMed 12815592 (cited by 5 submitters); PubMed 16941484 (cited by 5 submitters); PubMed 17124347 (cited by 5 submitters); PubMed 19691550 (cited by 8 submitters); PubMed 21965147 (cited by 6 submitters); PubMed 15039971 (cited by 3 submitters); PubMed 29665859 (cited by Ambry Genetics); PubMed 9872980 (cited by Ambry Genetics and Institute for Genomic Medicine (IGM) Clinical Laboratory, Nationwide Children's Hospital); PubMed 27779110 (cited by Quest Diagnostics Nichols Institute San Juan Capistrano).